The following is an entry in ClinVar:

ClinVar aggregate classification (germline): Likely benign. Review status: criteria provided, multiple submitters, no conflicts (2 of 4 stars). 2 submissions from 2 submitters: Likely benign (2). Last evaluated 2025-08-14.

Allele frequency attached by ClinVar (database versions not stated): gnomAD 0.00005; TOPMed 0.00005; ExAC 0.00006; 1000 Genomes Project 30x 0.00016; 1000 Genomes Project 0.00020.
gnomAD v4.1: 37 of 1,595,562 alleles (0.0023%); highest among the groups gnomAD compares: African/African-American, 0.013%; no homozygotes.

Submissions (2):

Mayo Clinic Laboratories, Mayo Clinic
Classification: Likely benign. Last evaluated: 2025-08-14. Review status: criteria provided, single submitter. Criteria: ACMG Guidelines, 2015. Collection method: clinical testing. Allele origin: germline. Observed: 1 variant allele.
Comment: BP4, BP7

Labcorp Genetics (formerly Invitae), Labcorp
Classification: Likely benign. Last evaluated: 2022-12-12. Review status: criteria provided, single submitter. Criteria: Invitae Variant Classification Sherloc (09022015). Collection method: clinical testing. Allele origin: germline.

NM_005560.6(LAMA5):c.5967C>T (p.Gly1989=)

Gene: LAMA5 (laminin subunit alpha 5; minus strand). Cytogenetic location: 20q13.33.
Variant type: single nucleotide variant.
Coding change: c.5967C>T on transcript NM_005560.6 (MANE Select); coding-DNA position 5967, C replaced by T.
Protein change: p.Gly1989=; no amino-acid change (glycine 1989 retained).
Molecular consequence: synonymous variant.
Genome position (GRCh38, 1-based): chr20:62,323,553, G>A on the plus strand (C>T on the coding strand, the complement: LAMA5 is on the minus strand). VCF-style: chr20-62323553-G-A. GRCh37 (hg19) VCF-style: chr20-60898609-G-A.
Other names: p.Gly1989=.
Identifiers: ClinVar variation 2182148 (VCV002182148.5), dbSNP rs567125190, ClinGen allele CA9941949.
Genomic context (GRCh38, chr20:62,323,553, plus strand): 5'-GCCGGGGGCACAGATCTCGCAGCGGGGCCCAGTGGTGTGGCGCAGGCAGCCACGGCAGGC[G>A]CCCGTCAGGGGGTCGCAGTCGCTGAAGAGCAAGTTGGGGTCACCGTTGCCGCTGCAGTCG-3'
Protein context (NP_005551.3, residues 1979-1999): LLFSDCDPLT[Gly1989=]ACRGCLRHTT